The following is an entry in ClinVar:

NM_006576.4(AVIL):c.250G>A (p.Asp84Asn)

Gene: AVIL (advillin; minus strand). Cytogenetic location: 12q14.1.
Variant type: single nucleotide variant.
Coding change: c.250G>A on transcript NM_006576.4 (MANE Select); coding-DNA position 250, G replaced by A.
Protein change: p.Asp84Asn; replaces aspartic acid 84 with asparagine.
Molecular consequence: missense variant.
Genome position (GRCh38, 1-based): chr12:57,813,315, C>T on the plus strand (G>A on the coding strand, the complement: AVIL is on the minus strand). VCF-style: chr12-57813315-C-T. GRCh37 (hg19) VCF-style: chr12-58207098-C-T.
Other names: short protein forms D84N.
Identifiers: ClinVar variation 4981387 (VCV004981387.1).

ClinVar aggregate classification (germline): Likely benign (1 of 4 stars; one submission).

Conditions:
AVIL-related disorder. Also called: AVIL-related condition.

gnomAD v4.1: 340 of 1,614,106 alleles (0.021%); highest among the groups gnomAD compares: South Asian, 0.31%; 1 homozygote.

Submission:

PreventionGenetics, part of Exact Sciences
Classification: Likely benign for AVIL-related condition. Last evaluated: 2025-10-20. Review status: criteria provided, single submitter. Criteria: ACMG Guidelines, 2015. Collection method: clinical testing. Allele origin: germline.
Comment: This variant is classified as likely benign based on ACMG/AMP sequence variant interpretation guidelines (Richards et al. 2015 PMID: 25741868, with internal and published modifications).